The following continues an entry in ClinVar:

NM_003000.3(SDHB):c.32G>A (p.Arg11His)

Gene: SDHB. ClinVar aggregate classification (germline): Benign/Likely benign. Benign (6); Likely benign (8).

Submissions 14 to 19 of 19:

Ambry Genetics
Classification: Likely benign for Hereditary cancer-predisposing syndrome. Last evaluated: 2018-10-01. Review status: criteria provided, single submitter. Criteria: Ambry Variant Classification Scheme 2023. Collection method: clinical testing. Allele origin: germline.

PreventionGenetics, part of Exact Sciences
Classification: Likely benign for SDHB-related condition. Last evaluated: 2019-10-23. Review status: no assertion criteria provided. Collection method: clinical testing. Allele origin: germline. Not counted in ClinVar's aggregate classification.
Comment: This variant is classified as likely benign based on ACMG/AMP sequence variant interpretation guidelines (Richards et al. 2015 PMID: 25741868, with internal and published modifications).

Counsyl
Classification: Likely benign for Pheochromocytoma/paraganglioma syndrome 4. Last evaluated: 2018-01-16. Review status: no assertion criteria provided. Collection method: clinical testing. Allele origin: unknown. Not counted in ClinVar's aggregate classification.

Myriad Genetics, Inc.
Classification: Uncertain significance for Pheochromocytoma/paraganglioma syndrome 4. Last evaluated: 2023-04-24. Review status: flagged submission. Criteria: Myriad Autosomal Dominant, Autosomal Recessive and X-Linked Classification Criteria (2023). Collection method: clinical testing. Allele origin: unknown. Not counted in ClinVar's aggregate classification.
Comment: This variant is classified as a variant of uncertain significance as there is insufficient evidence to determine its impact on protein function and/or cancer risk.
ClinVar note: Reason: Outlier claim with insufficient supporting evidence

CSER _CC_NCGL, University of Washington
Classification: Uncertain significance for Renal cell carcinoma. Last evaluated: 2014-06-01. Review status: flagged submission. Collection method: research. Allele origin: germline. Inheritance: Autosomal dominant inheritance. Study: ESP 6500 variant annotation. Not counted in ClinVar's aggregate classification.
Comment: Variants classified for the Actionable exomic incidental findings in 6503 participants: challenges of variant classification manuscript
ClinVar note: Reason: Outlier claim with insufficient supporting evidence

Section on Medical Neuroendocrinolgy, National Institutes of Health
Classification: Pathogenic for Hereditary pheochromocytoma and paraganglioma. Review status: flagged submission. Collection method: research. Allele origin: germline. Affected: yes. Not counted in ClinVar's aggregate classification.
ClinVar note: Reason: Outlier claim with insufficient supporting evidence

Literature cited by the submitters: PubMed 34906457 (cited by Cancer Variant Interpretation Group UK, Institute of Cancer Research, London); PubMed 30050099 (cited by 3 submitters); PubMed 18728283 (cited by 4 submitters); PubMed 25637381 (cited by 3 submitters); PubMed 24055113 (cited by Quest Diagnostics Nichols Institute San Juan Capistrano and Women's Health and Genetics/Laboratory Corporation of America, LabCorp); PubMed 26332594 (cited by Quest Diagnostics Nichols Institute San Juan Capistrano and Women's Health and Genetics/Laboratory Corporation of America, LabCorp); PubMed 19576851 (cited by 4 submitters); PubMed 22835832 (cited by 4 submitters); PubMed 24092654 (cited by 3 submitters); PubMed 28374168 (cited by Quest Diagnostics Nichols Institute San Juan Capistrano).